The following is an entry in ClinVar:

NM_003000.3(SDHB):c.385C>A (p.Pro129Thr)

Gene: SDHB (succinate dehydrogenase complex iron sulfur subunit B; minus strand). Cytogenetic location: 1p36.13.
Variant type: single nucleotide variant.
Coding change: c.385C>A on transcript NM_003000.3 (MANE Select); coding-DNA position 385, C replaced by A.
Protein change: p.Pro129Thr; replaces proline 129 with threonine.
Molecular consequence: missense variant. On other transcripts: intron variant (1).
Genome position (GRCh38, 1-based): chr1:17,028,638, G>T on the plus strand (C>A on the coding strand, the complement: SDHB is on the minus strand). VCF-style: chr1-17028638-G-T. GRCh37 (hg19) VCF-style: chr1-17355133-G-T.
Other names: c.369+16C>A (NM_001407361.1); short protein forms P129T.
Identifiers: ClinVar variation 2949595 (VCV002949595.3), dbSNP rs1553177740, ClinGen allele CA338274306.

ClinVar aggregate classification (germline): Uncertain significance (1 of 4 stars; one submission).

Conditions:
Pheochromocytoma. Also called: MAX-Related Hereditary Paraganglioma-Pheochromocytoma Syndrome. Identifiers: Orphanet 29072, MedGen C0031511, MONDO:0008233, OMIM 171300, HP:0002666.
Gastrointestinal stromal tumor. Also called: Gastrointestinal stromal tumor, somatic; Gastrointestinal stroma tumor. Identifiers: Orphanet 44890, MedGen C0238198, MeSH D046152, MONDO:0011719, OMIM 606764, HP:0100723.
Pheochromocytoma/paraganglioma syndrome 4. Also called: CAROTID BODY TUMORS AND MULTIPLE EXTRAADRENAL PHEOCHROMOCYTOMAS; PARAGANGLIOMA, FAMILIAL MALIGNANT; PARAGANGLIOMAS, HEREDITARY EXTRAADRENAL; PHEOCHROMOCYTOMA, FAMILIAL EXTRAADRENAL; Paragangliomas 4; SDHB-Related Hereditary Paraganglioma-Pheochromocytoma Syndrome (Paragangliomas 4). Identifiers: Orphanet 29072, MedGen C1861848, MONDO:0007273, OMIM 115310.

Submission:

Labcorp Genetics (formerly Invitae), Labcorp
Classification: Uncertain significance for Gastrointestinal stromal tumor; Pheochromocytoma/paraganglioma syndrome 4; Pheochromocytoma. Last evaluated: 2023-07-07. Review status: criteria provided, single submitter. Criteria: Invitae Variant Classification Sherloc (09022015). Collection method: clinical testing. Allele origin: germline.
Comment: This sequence change replaces proline, which is neutral and non-polar, with threonine, which is neutral and polar, at codon 129 of the SDHB protein (p.Pro129Thr). This variant is not present in population databases (gnomAD no frequency). This variant has not been reported in the literature in individuals affected with SDHB-related conditions. Advanced modeling of protein sequence and biophysical properties (such as structural, functional, and spatial information, amino acid conservation, physicochemical variation, residue mobility, and thermodynamic stability) performed at Invitae indicates that this missense variant is expected to disrupt SDHB protein function. In summary, the available evidence is currently insufficient to determine the role of this variant in disease. Therefore, it has been classified as a Variant of Uncertain Significance.